The following is an entry in ClinVar:

NM_000201.3(ICAM1):c.988G>A (p.Val330Met)

Gene: ICAM1 (intercellular adhesion molecule 1; plus strand). Cytogenetic location: 19p13.2.
Variant type: single nucleotide variant.
Coding change: c.988G>A on transcript NM_000201.3 (MANE Select); coding-DNA position 988, G replaced by A.
Protein change: p.Val330Met; replaces valine 330 with methionine.
Molecular consequence: missense variant.
Genome position (GRCh38, 1-based): chr19:10,284,465, G>A. VCF-style: chr19-10284465-G-A. GRCh37 (hg19) VCF-style: chr19-10395141-G-A.
Other names: short protein forms V330M.
Identifiers: ClinVar variation 713658 (VCV000713658.5), dbSNP rs146134321, ClinGen allele CA9189971.

ClinVar aggregate classification (germline): Likely benign. Review status: criteria provided, single submitter (1 of 4 stars). 2 submissions from 2 submitters: Likely benign (1). 1 of the submissions does not count toward it. Last evaluated 2018-07-10.

Conditions:
ICAM1-related disorder. Also called: ICAM1-related condition.

Allele frequency attached by ClinVar (database versions not stated): TOPMed 0.00108; gnomAD 0.00117 and 0.00127; 1000 Genomes Project 30x 0.00125; gnomAD exomes 0.00151 and 0.00191; 1000 Genomes Project 0.00160; ExAC 0.00209; ESP Exome Variant Server 0.00162.
gnomAD v4.1: 2,409 of 1,614,052 alleles (0.15%); highest among the groups gnomAD compares: Middle Eastern, 0.54%; 12 homozygotes.

Submissions (2):

Labcorp Genetics (formerly Invitae), Labcorp
Classification: Likely benign. Last evaluated: 2018-07-10. Review status: criteria provided, single submitter. Criteria: Invitae Variant Classification Sherloc (09022015). Collection method: clinical testing. Allele origin: germline.

PreventionGenetics, part of Exact Sciences
Classification: Likely benign for ICAM1-related condition. Last evaluated: 2023-01-12. Review status: no assertion criteria provided. Collection method: clinical testing. Allele origin: germline. Not counted in ClinVar's aggregate classification.
Comment: This variant is classified as likely benign based on ACMG/AMP sequence variant interpretation guidelines (Richards et al. 2015 PMID: 25741868, with internal and published modifications).